The following is an entry in ClinVar:

NM_001999.4(FBN2):c.1330C>G (p.Pro444Ala)

Gene: FBN2 (fibrillin 2; minus strand). Cytogenetic location: 5q23.3.
Variant type: single nucleotide variant.
Coding change: c.1330C>G on transcript NM_001999.4 (MANE Select); coding-DNA position 1330, C replaced by G.
Protein change: p.Pro444Ala; replaces proline 444 with alanine.
Molecular consequence: missense variant.
Genome position (GRCh38, 1-based): chr5:128,393,270, G>C on the plus strand (C>G on the coding strand, the complement: FBN2 is on the minus strand). VCF-style: chr5-128393270-G-C. GRCh37 (hg19) VCF-style: chr5-127728963-G-C.
Other names: short protein forms P444A.
Identifiers: ClinVar variation 2811619 (VCV002811619.3), dbSNP rs2479437676, ClinGen allele CA360749568.

ClinVar aggregate classification (germline): Uncertain significance (1 of 4 stars; one submission).

Conditions:
Congenital contractural arachnodactyly (CCA). Also called: Arthrogryposis, distal, type 9; BEALS SYNDROME; Beals-Hecht syndrome. Identifiers: Orphanet 115, MedGen C0220668, MONDO:0007363, OMIM 121050.

Submission:

Labcorp Genetics (formerly Invitae), Labcorp
Classification: Uncertain significance for Congenital contractural arachnodactyly. Last evaluated: 2022-12-31. Review status: criteria provided, single submitter. Criteria: Invitae Variant Classification Sherloc (09022015). Collection method: clinical testing. Allele origin: germline.
Comment: This sequence change replaces proline, which is neutral and non-polar, with alanine, which is neutral and non-polar, at codon 444 of the FBN2 protein (p.Pro444Ala). This variant is not present in population databases (gnomAD no frequency). This variant has not been reported in the literature in individuals affected with FBN2-related conditions. Advanced modeling of protein sequence and biophysical properties (such as structural, functional, and spatial information, amino acid conservation, physicochemical variation, residue mobility, and thermodynamic stability) performed at Invitae indicates that this missense variant is not expected to disrupt FBN2 protein function. In summary, the available evidence is currently insufficient to determine the role of this variant in disease. Therefore, it has been classified as a Variant of Uncertain Significance.